The following is an entry in ClinVar:

ClinVar aggregate classification (germline): Uncertain significance. Review status: criteria provided, multiple submitters, no conflicts (2 of 4 stars). 3 submissions from 3 submitters: Uncertain significance (3). Last evaluated 2024-09-03.

Conditions:
Cardiovascular phenotype. Identifiers: MedGen CN230736.
Catecholaminergic polymorphic ventricular tachycardia 1. Also called: RYR2-Related Catecholaminergic Polymorphic Ventricular Tachycardia; VENTRICULAR TACHYCARDIA, CATECHOLAMINERGIC POLYMORPHIC, 1, WITH OR WITHOUT ATRIAL DYSFUNCTION AND/OR DILATED CARDIOMYOPATHY; VENTRICULAR TACHYCARDIA, STRESS-INDUCED POLYMORPHIC 1. Identifiers: Orphanet 3286, MedGen C1631597, MONDO:0011484, OMIM 604772.

Allele frequency attached by ClinVar (database versions not stated): gnomAD 0.00001 and 0.00003; gnomAD exomes 0.00001; TOPMed 0.00003; 1000 Genomes Project 30x 0.00016; 1000 Genomes Project 0.00020.
gnomAD v4.1: 15 of 1,559,626 alleles (0.00096%); highest among the groups gnomAD compares: Middle Eastern, 0.017%; no homozygotes.

Submissions (3):

Ambry Genetics
Classification: Uncertain significance for Cardiovascular phenotype. Last evaluated: 2024-09-03. Review status: criteria provided, single submitter. Criteria: Ambry Variant Classification Scheme 2023. Collection method: clinical testing. Allele origin: germline.

GeneDx
Classification: Uncertain significance. Last evaluated: 2024-06-17. Review status: criteria provided, single submitter. Criteria: GeneDx Variant Classification Process June 2021. Collection method: clinical testing. Allele origin: germline. Affected: yes.
Comment: Not observed at significant frequency in large population cohorts (gnomAD); In silico analysis indicates that this missense variant does not alter protein structure/function; Has not been previously published as pathogenic or benign to our knowledge

Labcorp Genetics (formerly Invitae), Labcorp
Classification: Uncertain significance for Catecholaminergic polymorphic ventricular tachycardia 1. Last evaluated: 2023-12-11. Review status: criteria provided, single submitter. Criteria: Invitae Variant Classification Sherloc (09022015). Collection method: clinical testing. Allele origin: germline.
Comment: This sequence change replaces isoleucine, which is neutral and non-polar, with valine, which is neutral and non-polar, at codon 276 of the TRDN protein (p.Ile276Val). This variant is present in population databases (rs150412658, gnomAD 0.005%). This variant has not been reported in the literature in individuals affected with TRDN-related conditions. ClinVar contains an entry for this variant (Variation ID: 572676). Advanced modeling of protein sequence and biophysical properties (such as structural, functional, and spatial information, amino acid conservation, physicochemical variation, residue mobility, and thermodynamic stability) performed at Invitae indicates that this missense variant is not expected to disrupt TRDN protein function with a negative predictive value of 80%. In summary, the available evidence is currently insufficient to determine the role of this variant in disease. Therefore, it has been classified as a Variant of Uncertain Significance.

NM_006073.4(TRDN):c.826A>G (p.Ile276Val)

Gene: TRDN (triadin; minus strand). Cytogenetic location: 6q22.31.
Variant type: single nucleotide variant.
Coding change: c.826A>G on transcript NM_006073.4 (MANE Select); coding-DNA position 826, A replaced by G.
Protein change: p.Ile276Val; replaces isoleucine 276 with valine.
Molecular consequence: missense variant. On other transcripts: intron variant (1).
Genome position (GRCh38, 1-based): chr6:123,497,220, T>C on the plus strand (A>G on the coding strand, the complement: TRDN is on the minus strand). VCF-style: chr6-123497220-T-C. GRCh37 (hg19) VCF-style: chr6-123818365-T-C.
Other names: c.826A>G, p.Ile276Val (NM_001251987.2); c.793+6499A>G (NM_001256020.2); short protein forms I276V.
Identifiers: ClinVar variation 572676 (VCV000572676.14), dbSNP rs150412658, ClinGen allele CA147285780.